The following is an entry in ClinVar:

ClinVar aggregate classification (germline): Conflicting classifications of pathogenicity. Review status: criteria provided, conflicting classifications (1 of 4 stars). 4 submissions from 4 submitters: Uncertain significance (3); Likely benign (1). Last evaluated 2026-06-22.

Conditions:
MYO15A-related disorder. Also called: MYO15A-related condition.
Inborn genetic diseases. Identifiers: MedGen C0950123, MeSH D030342.

Allele frequency attached by ClinVar (database versions not stated): ExAC 0.00004; 1000 Genomes Project 30x 0.00047; 1000 Genomes Project 0.00060.
gnomAD v4.1: 81 of 1,613,790 alleles (0.005%); highest among the groups gnomAD compares: African/African-American, 0.075%; no homozygotes.

Submissions (4):

PreventionGenetics, part of Exact Sciences
Classification: Uncertain significance for MYO15A-related condition. Last evaluated: 2026-06-22. Review status: criteria provided, single submitter. Criteria: ACMG Guidelines, 2015. Collection method: clinical testing. Allele origin: germline.
Comment: The MYO15A c.8383G>A variant is predicted to result in the amino acid substitution p.Val2795Met. To our knowledge, this variant has not been reported in the literature. This variant is reported in 0.074% of alleles in individuals of African descent in gnomAD. Although we suspect that this variant may be benign, at this time, the clinical significance of this variant is uncertain due to the absence of conclusive functional and genetic evidence.

Ambry Genetics
Classification: Uncertain significance for Inborn genetic diseases. Last evaluated: 2025-08-08. Review status: criteria provided, single submitter. Criteria: Ambry Variant Classification Scheme 2023. Collection method: clinical testing. Allele origin: germline.

Labcorp Genetics (formerly Invitae), Labcorp
Classification: Likely benign. Last evaluated: 2025-05-18. Review status: criteria provided, single submitter. Criteria: Invitae Variant Classification Sherloc (09022015). Collection method: clinical testing. Allele origin: germline.

Blueprint Genetics
Classification: Uncertain significance. Last evaluated: 2024-03-11. Review status: criteria provided, single submitter. Criteria: ACMG Guidelines, 2015. Collection method: clinical testing. Allele origin: germline.

NM_016239.4(MYO15A):c.8383G>A (p.Val2795Met)

Gene: MYO15A (myosin XVA; plus strand). Cytogenetic location: 17p11.2.
Variant type: single nucleotide variant.
Coding change: c.8383G>A on transcript NM_016239.4 (MANE Select); coding-DNA position 8383, G replaced by A.
Protein change: p.Val2795Met; replaces valine 2795 with methionine.
Molecular consequence: missense variant.
Genome position (GRCh38, 1-based): chr17:18,155,356, G>A. VCF-style: chr17-18155356-G-A. GRCh37 (hg19) VCF-style: chr17-18058670-G-A.
Other names: c.8383G>A (NM_016239.3); short protein forms V2795M.
Identifiers: ClinVar variation 2715193 (VCV002715193.6), dbSNP rs144830391, ClinGen allele CA8425146.